The following is an entry in ClinVar:

NM_000550.3(TYRP1):c.440C>A (p.Ala147Asp)

Gene: TYRP1 (tyrosinase related protein 1; plus strand). Cytogenetic location: 9p23.
Variant type: single nucleotide variant.
Coding change: c.440C>A on transcript NM_000550.3 (MANE Select); coding-DNA position 440, C replaced by A.
Protein change: p.Ala147Asp; replaces alanine 147 with aspartic acid.
Molecular consequence: missense variant.
Genome position (GRCh38, 1-based): chr9:12,695,569, C>A. VCF-style: chr9-12695569-C-A. GRCh37 (hg19) VCF-style: chr9-12695569-C-A.
Other names: short protein forms A147D.
Identifiers: ClinVar variation 2081903 (VCV002081903.4), dbSNP rs1235289404, ClinGen allele CA372937076.

ClinVar aggregate classification (germline): Uncertain significance (1 of 4 stars; one submission).

Submission:

Labcorp Genetics (formerly Invitae), Labcorp
Classification: Uncertain significance. Last evaluated: 2022-01-13. Review status: criteria provided, single submitter. Criteria: Invitae Variant Classification Sherloc (09022015). Collection method: clinical testing. Allele origin: germline.
Comment: In summary, the available evidence is currently insufficient to determine the role of this variant in disease. Therefore, it has been classified as a Variant of Uncertain Significance. Algorithms developed to predict the effect of missense changes on protein structure and function are either unavailable or do not agree on the potential impact of this missense change (SIFT: "Deleterious"; PolyPhen-2: "Possibly Damaging"; Align-GVGD: "Class C0"). This variant has not been reported in the literature in individuals affected with TYRP1-related conditions. This variant is not present in population databases (gnomAD no frequency). This sequence change replaces alanine, which is neutral and non-polar, with aspartic acid, which is acidic and polar, at codon 147 of the TYRP1 protein (p.Ala147Asp).